The following is an entry in ClinVar:

NM_000384.3(APOB):c.10004G>T (p.Gly3335Val)

Gene: APOB (apolipoprotein B; minus strand). Cytogenetic location: 2p24.1.
Variant type: single nucleotide variant.
Coding change: c.10004G>T on transcript NM_000384.3 (MANE Select); coding-DNA position 10004, G replaced by T.
Protein change: p.Gly3335Val; replaces glycine 3335 with valine.
Molecular consequence: missense variant.
Genome position (GRCh38, 1-based): chr2:21,006,864, C>A on the plus strand (G>T on the coding strand, the complement: APOB is on the minus strand). VCF-style: chr2-21006864-C-A. GRCh37 (hg19) VCF-style: chr2-21229736-C-A.
Other names: short protein forms G3335V.
Identifiers: ClinVar variation 3415638 (VCV003415638.1).
Genomic context (GRCh38, chr2:21,006,864, plus strand): 5'-TCAGCATTGGTATTCAGTGTGATGACACTTGATTTAAAGGAGAAATCATAGGTAATATTG[C>A]CCATGGCAGGAATAAAAATATGGCTTATGGTACACAATTCCTTGAAATCTGGAAGAGAAA-3'
Protein context (NP_000375.3, residues 3325-3345): TISHIFIPAM[Gly3335Val]NITYDFSFKS

ClinVar aggregate classification (germline): Uncertain significance (1 of 4 stars; one submission).

Conditions:
Cardiovascular phenotype. Identifiers: MedGen CN230736.

gnomAD v4.1: 1 of 1,613,888 alleles (0.000062%); highest among the groups gnomAD compares: Non-Finnish European, 0.000085%; no homozygotes.

Submission:

Ambry Genetics
Classification: Uncertain significance for Cardiovascular phenotype. Last evaluated: 2024-07-30. Review status: criteria provided, single submitter. Criteria: Ambry Variant Classification Scheme 2023. Collection method: clinical testing. Allele origin: germline.
Comment: The p.G3335V variant (also known as c.10004G>T), located in coding exon 26 of the APOB gene, results from a G to T substitution at nucleotide position 10004. The glycine at codon 3335 is replaced by valine, an amino acid with dissimilar properties. This amino acid position is conserved. In addition, the in silico prediction for this alteration is inconclusive. Based on the available evidence, the clinical significance of this variant remains unclear.